The following is an entry in ClinVar:

ClinVar aggregate classification (germline): Uncertain significance. Review status: criteria provided, multiple submitters, no conflicts (2 of 4 stars). 3 submissions from 3 submitters: Uncertain significance (3). Last evaluated 2024-10-24.

Conditions:
Neural tube defects, folate-sensitive (NTDFS). Also called: NTD, FOLATE-SENSITIVE. Identifiers: Orphanet 823, MedGen C1866558, MONDO:0011120, OMIM 601634.
Combined immunodeficiency and megaloblastic anemia with or without hyperhomocysteinemia. Also called: METHYLENETETRAHYDROFOLATE DEHYDROGENASE 1 DEFICIENCY; COMBINED IMMUNODEFICIENCY AND MEGALOBLASTIC ANEMIA. Identifiers: Orphanet 658813, MedGen C4540434, MONDO:0060611, OMIM 617780.

Allele frequency attached by ClinVar (database versions not stated): ESP Exome Variant Server 0.00008; ExAC 0.00009; gnomAD exomes 0.00013 and 0.00020; gnomAD 0.00017 and 0.00019; TOPMed 0.00018.
gnomAD v4.1: 321 of 1,614,062 alleles (0.02%); highest among the groups gnomAD compares: Non-Finnish European, 0.026%; no homozygotes.

Submissions (5):

Blueprint Genetics
Classification: Uncertain significance. Last evaluated: 2024-10-24. Review status: criteria provided, single submitter. Criteria: ACMG Guidelines, 2015. Collection method: clinical testing. Allele origin: germline.

Labcorp Genetics (formerly Invitae), Labcorp
Classification: Uncertain significance. Last evaluated: 2022-09-13. Review status: criteria provided, single submitter. Criteria: Invitae Variant Classification Sherloc (09022015). Collection method: clinical testing. Allele origin: germline.
Comment: This sequence change replaces isoleucine, which is neutral and non-polar, with valine, which is neutral and non-polar, at codon 464 of the MTHFD1 protein (p.Ile464Val). This variant is present in population databases (rs139264994, gnomAD 0.03%). This variant has not been reported in the literature in individuals affected with MTHFD1-related conditions. ClinVar contains an entry for this variant (Variation ID: 1053697). Advanced modeling of protein sequence and biophysical properties (such as structural, functional, and spatial information, amino acid conservation, physicochemical variation, residue mobility, and thermodynamic stability) performed at Invitae indicates that this missense variant is not expected to disrupt MTHFD1 protein function. Algorithms developed to predict the effect of sequence changes on RNA splicing suggest that this variant may create or strengthen a splice site. In summary, the available evidence is currently insufficient to determine the role of this variant in disease. Therefore, it has been classified as a Variant of Uncertain Significance.

Fulgent Genetics
Classification: Uncertain significance for Neural tube defects, folate-sensitive; Combined immunodeficiency and megaloblastic anemia with or without hyperhomocysteinemia. Last evaluated: 2022-04-13. Review status: criteria provided, single submitter. Criteria: ACMG Guidelines, 2015. Collection method: clinical testing. Allele origin: unknown.

Dr. Peter K. Rogan Lab, Western University
No classification provided (evidence only). Condition: Clear cell carcinoma of kidney. Review status: no classification provided. Collection method: in vitro. Allele origin: not applicable. Functional consequence: retained intron. Not counted in ClinVar's aggregate classification.

Dr. Peter K. Rogan Lab, Western University
No classification provided (evidence only). Condition: Uveal melanoma. Review status: no classification provided. Collection method: in vitro. Allele origin: not applicable. Functional consequence: retained intron. Not counted in ClinVar's aggregate classification.

NM_005956.4(MTHFD1):c.1390A>G (p.Ile464Val)

Gene: MTHFD1 (methylenetetrahydrofolate dehydrogenase, cyclohydrolase and formyltetrahydrofolate synthetase 1; plus strand). Cytogenetic location: 14q23.3.
Variant type: single nucleotide variant.
Coding change: c.1390A>G on transcript NM_005956.4 (MANE Select); coding-DNA position 1390, A replaced by G.
Protein change: p.Ile464Val; replaces isoleucine 464 with valine.
Molecular consequence: missense variant.
Genome position (GRCh38, 1-based): chr14:64,431,610, A>G. VCF-style: chr14-64431610-A-G. GRCh37 (hg19) VCF-style: chr14-64898328-A-G.
Other names: c.1390A>G, p.Ile464Val (NM_001364837.1); short protein forms I464V.
Identifiers: ClinVar variation 1053697 (VCV001053697.7), dbSNP rs139264994, ClinGen allele CA7226229.
Genomic context (GRCh38, chr14:64,431,610, plus strand): 5'-GGTGACATCCATGCCATCACTGCAGCTAATAACCTCGTTGCTGCGGCCATTGATGCTCGG[A>G]TATTTCATGAACTGACCCAGACAGACAAGGTAGGATGCCAAAGCCCCATGAACCCCATTG-3'
Protein context (NP_005947.3, residues 454-474): NLVAAAIDAR[Ile464Val]FHELTQTDKA